The following is an entry in ClinVar:

NM_003482.4(KMT2D):c.4020+75A>G

Genes: KMT2D (lysine methyltransferase 2D; minus strand), LOC126861520 (CDK7 strongly-dependent group 2 enhancer GRCh37_chr12:49442744-49443943; plus strand). Cytogenetic location: 12q13.12.
Variant type: single nucleotide variant.
Coding change: c.4020+75A>G on transcript NM_003482.4 (MANE Select); 75 bases into the intron after coding-DNA position 4020, A replaced by G.
Molecular consequence: intron variant.
Genome position (GRCh38, 1-based): chr12:49,049,030, T>C on the plus strand (A>G on the coding strand, the complement: KMT2D is on the minus strand). VCF-style: chr12-49049030-T-C. GRCh37 (hg19) VCF-style: chr12-49442813-T-C.
Identifiers: ClinVar variation 1238454 (VCV001238454.6), dbSNP rs2304275, ClinGen allele CA13620757.
Genomic context (GRCh38, chr12:49,049,030, plus strand): 5'-GTGGACAGGAATTCAGACATAGCCAGACAGGCCCTAGACGAGCAGGCAGGTAGGCAAGCA[T>C]GCAAGGGACTGGCAGGACTCAGAGGGTGCTAAAGCATGGTTGGGGGATGGGAGGAATAGG-3'

ClinVar aggregate classification (germline): Benign. Review status: criteria provided, multiple submitters, no conflicts (2 of 4 stars). 3 submissions from 3 submitters: Benign (3). Last evaluated 2024-01-24.

Allele frequency attached by ClinVar (database versions not stated): TOPMed 0.21054; gnomAD 0.21342 and 0.22318; gnomAD exomes 0.29422; 1000 Genomes Project 30x 0.24719; 1000 Genomes Project 0.25639.
gnomAD v4.1: 262,597 of 931,160 alleles (28%); highest among the groups gnomAD compares: East Asian, 38%; 40,286 homozygotes.

Submissions (3):

Unidad de Genómica Garrahan, Hospital de Pediatría Garrahan
Classification: Benign. Last evaluated: 2024-01-24. Review status: criteria provided, single submitter. Criteria: ACMG Guidelines, 2015. Collection method: clinical testing. Allele origin: germline. Affected: no. Observed: 48 variant alleles.
Comment: This variant is classified as Benign based on local population frequency. This variant was detected in 51% of patients studied by a panel of primary immunodeficiencies. Number of patients: 48. Only high quality variants are reported.

GeneDx
Classification: Benign. Last evaluated: 2018-07-17. Review status: criteria provided, single submitter. Criteria: GeneDx Variant Classification Process June 2021. Collection method: clinical testing. Allele origin: germline. Affected: yes.

Breakthrough Genomics
Classification: Benign. Review status: criteria provided, single submitter. Criteria: ACMG Guidelines, 2015. Collection method: not provided. Allele origin: germline. Inheritance: Autosomal dominant inheritance. Affected: yes.